The following is an entry in ClinVar:

ClinVar aggregate classification (germline): Likely benign (1 of 4 stars; one submission).

Submission:

Molecular Diagnostic Laboratory for Inherited Cardiovascular Disease, Montreal Heart Institute
Classification: Likely benign. Last evaluated: 2026-03-27. Review status: criteria provided, single submitter. Criteria: ACMG Guidelines, 2015. Collection method: clinical testing. Allele origin: germline. Affected: no.
Comment: BS1;BP4

NM_024664.4(PPCS):c.74G>C (p.Arg25Pro)

Genes: CCDC30 (coiled-coil domain containing 30; plus strand), PPCS (phosphopantothenoylcysteine synthetase; plus strand), LOC129930343 (ATAC-STARR-seq lymphoblastoid active region 893; plus strand). Cytogenetic location: 1p34.2.
Variant type: single nucleotide variant.
Coding change: c.74G>C on transcript NM_024664.4 (MANE Select); coding-DNA position 74, G replaced by C.
Protein change: p.Arg25Pro; replaces arginine 25 with proline.
Molecular consequence: missense variant. On other transcripts: 5 prime UTR variant (2), intron variant (5).
Genome position (GRCh38, 1-based): chr1:42,456,639, G>C. VCF-style: chr1-42456639-G-C. GRCh37 (hg19) VCF-style: chr1-42922310-G-C.
Other names: c.-97G>C (NM_001287508.2); c.-619G>C (NM_001287510.2); c.74G>C, p.Arg25Pro (NM_001287511.2); c.-984+140G>C (NM_001355226.2); c.-328+140G>C (NM_001287507.1); c.-12+140G>C (NM_001287506.1); c.-12+11G>C (NM_001077447.3); c.-12+56G>C (NM_001287509.2); short protein forms R25P.
Identifiers: ClinVar variation 4820387 (VCV004820387.1), dbSNP rs774666574.